The following is an entry in ClinVar:

ClinVar aggregate classification (germline): Uncertain significance (1 of 4 stars; one submission).

Conditions:
Nemaline myopathy 2 (NEM2). Also called: Nemaline myopathy 2, autosomal recessive. Identifiers: MedGen C1850569, MONDO:0009725, OMIM 256030.

gnomAD v4.1: 2 of 1,613,598 alleles (0.00012%); highest among the groups gnomAD compares: Non-Finnish European, 0.000085%; no homozygotes.

Submission:

Labcorp Genetics (formerly Invitae), Labcorp
Classification: Uncertain significance for Nemaline myopathy 2. Last evaluated: 2022-01-17. Review status: criteria provided, single submitter. Criteria: Invitae Variant Classification Sherloc (09022015). Collection method: clinical testing. Allele origin: germline.
Comment: This sequence change replaces leucine, which is neutral and non-polar, with histidine, which is basic and polar, at codon 6321 of the NEB protein (p.Leu6321His). This variant is not present in population databases (gnomAD no frequency). This variant has not been reported in the literature in individuals affected with NEB-related conditions. Algorithms developed to predict the effect of missense changes on protein structure and function are either unavailable or do not agree on the potential impact of this missense change (SIFT: "Deleterious"; PolyPhen-2: "Not Available"; Align-GVGD: "Class C0"). In summary, the available evidence is currently insufficient to determine the role of this variant in disease. Therefore, it has been classified as a Variant of Uncertain Significance.

NM_001164508.2(NEB):c.18962T>A (p.Leu6321His)

Gene: NEB (nebulin; minus strand). Cytogenetic location: 2q23.3.
Variant type: single nucleotide variant.
Coding change: c.18962T>A on transcript NM_001164508.2 (MANE Select); coding-DNA position 18962, T replaced by A.
Protein change: p.Leu6321His; replaces leucine 6321 with histidine.
Molecular consequence: missense variant.
Genome position (GRCh38, 1-based): chr2:151,562,144, A>T on the plus strand (T>A on the coding strand, the complement: NEB is on the minus strand). VCF-style: chr2-151562144-A-T. GRCh37 (hg19) VCF-style: chr2-152418658-A-T.
Other names: c.18962T>A, p.Leu6321His (NM_001164507.2, NM_001271208.2); c.13859T>A, p.Leu4620His (NM_004543.5); short protein forms L6321H, L4620H.
Identifiers: ClinVar variation 2038306 (VCV002038306.1), dbSNP rs2552190061, ClinGen allele CA348796808.